The following is an entry in ClinVar:

NM_001852.4(COL9A2):c.1340C>T (p.Ala447Val)

Gene: COL9A2 (collagen type IX alpha 2 chain; minus strand). Cytogenetic location: 1p34.2.
Variant type: single nucleotide variant.
Coding change: c.1340C>T on transcript NM_001852.4 (MANE Select); coding-DNA position 1340, C replaced by T.
Protein change: p.Ala447Val; replaces alanine 447 with valine.
Molecular consequence: missense variant.
Genome position (GRCh38, 1-based): chr1:40,303,956, G>A on the plus strand (C>T on the coding strand, the complement: COL9A2 is on the minus strand). VCF-style: chr1-40303956-G-A. GRCh37 (hg19) VCF-style: chr1-40769628-G-A.
Other names: short protein forms A447V.
Identifiers: ClinVar variation 4811042 (VCV004811042.1).

ClinVar aggregate classification (germline): Uncertain significance (1 of 4 stars; one submission).

gnomAD v4.1: 4 of 1,562,218 alleles (0.00026%); highest among the groups gnomAD compares: Non-Finnish European, 0.00035%; no homozygotes.

Submission:

Labcorp Genetics (formerly Invitae), Labcorp
Classification: Uncertain significance. Last evaluated: 2025-06-12. Review status: criteria provided, single submitter. Criteria: Invitae Variant Classification Sherloc (09022015). Collection method: clinical testing. Allele origin: germline.
Comment: This sequence change replaces alanine, which is neutral and non-polar, with valine, which is neutral and non-polar, at codon 447 of the COL9A2 protein (p.Ala447Val). The frequency data for this variant in the population databases is considered unreliable, as metrics indicate poor data quality at this position in the gnomAD database. This variant has not been reported in the literature in individuals affected with COL9A2-related conditions. Invitae Evidence Modeling of protein sequence and biophysical properties (such as structural, functional, and spatial information, amino acid conservation, physicochemical variation, residue mobility, and thermodynamic stability) indicates that this missense variant is not expected to disrupt COL9A2 protein function with a negative predictive value of 95%. In summary, the available evidence is currently insufficient to determine the role of this variant in disease. Therefore, it has been classified as a Variant of Uncertain Significance.